The following is an entry in ClinVar:

NM_000540.3(RYR1):c.13437G>T (p.Gly4479=)

Gene: RYR1 (ryanodine receptor 1; plus strand). Cytogenetic location: 19q13.2.
Variant type: single nucleotide variant.
Coding change: c.13437G>T on transcript NM_000540.3 (MANE Select); coding-DNA position 13437, G replaced by T.
Protein change: p.Gly4479=; no amino-acid change (glycine 4479 retained).
Molecular consequence: synonymous variant.
Genome position (GRCh38, 1-based): chr19:38,565,771, G>T. VCF-style: chr19-38565771-G-T. GRCh37 (hg19) VCF-style: chr19-39056411-G-T.
Other names: c.13422G>T, p.Gly4474= (NM_001042723.2).
Identifiers: ClinVar variation 1973686 (VCV001973686.2), dbSNP rs954298394, ClinGen allele CA507244109.

ClinVar aggregate classification (germline): Uncertain significance (1 of 4 stars; one submission).

Conditions:
RYR1-related disorder. Also called: RYR1-related condition; RYR1-related disorders. Identifiers: MedGen CN239331.

Allele frequency attached by ClinVar (database versions not stated): gnomAD 0.00001.

Submission:

Labcorp Genetics (formerly Invitae), Labcorp
Classification: Uncertain significance for RYR1-related disorder. Last evaluated: 2022-10-25. Review status: criteria provided, single submitter. Criteria: Invitae Variant Classification Sherloc (09022015). Collection method: clinical testing. Allele origin: germline.
Comment: This sequence change affects codon 4479 of the RYR1 mRNA. It is a 'silent' change, meaning that it does not change the encoded amino acid sequence of the RYR1 protein. This variant also falls at the last nucleotide of exon 91, which is part of the consensus splice site for this exon. This variant is not present in population databases (gnomAD no frequency). This variant has not been reported in the literature in individuals affected with RYR1-related conditions. Variants that disrupt the consensus splice site are a relatively common cause of aberrant splicing (PMID: 17576681, 9536098). Algorithms developed to predict the effect of sequence changes on RNA splicing suggest that this variant may disrupt the consensus splice site. In summary, the available evidence is currently insufficient to determine the role of this variant in disease. Therefore, it has been classified as a Variant of Uncertain Significance.

Literature cited by the submitters: PubMed 17576681; PubMed 9536098.